The following is an entry in ClinVar:

NM_182760.4(SUMF1):c.1043C>T (p.Ala348Val)

Gene: SUMF1 (sulfatase modifying factor 1; minus strand). Cytogenetic location: 3p26.1.
Variant type: single nucleotide variant.
Coding change: c.1043C>T on transcript NM_182760.4 (MANE Select); coding-DNA position 1043, C replaced by T.
Protein change: p.Ala348Val; replaces alanine 348 with valine.
Molecular consequence: missense variant.
Genome position (GRCh38, 1-based): chr3:4,362,226, G>A on the plus strand (C>T on the coding strand, the complement: SUMF1 is on the minus strand). VCF-style: chr3-4362226-G-A. GRCh37 (hg19) VCF-style: chr3-4403910-G-A.
Other names: c.968C>T, p.Ala323Val (NM_001164674.2); c.983C>T, p.Ala328Val (NM_001164675.2); short protein forms A323V, A328V, A348V.
Identifiers: ClinVar variation 4081804 (VCV004081804.1).

ClinVar aggregate classification (germline): Likely pathogenic (1 of 4 stars; one submission).

Conditions:
Multiple sulfatase deficiency (MSD). Also called: Mucosulfatidosis; Multiple Sulfatase Deficiency Disease; Sulfatidosis, Juvenile, Austin Type. Identifiers: Orphanet 585, MedGen C0268263, MONDO:0010088, OMIM 272200.

Submission:

Myriad Genetics, Inc.
Classification: Likely pathogenic for Multiple sulfatase deficiency. Last evaluated: 2025-03-13. Review status: criteria provided, single submitter. Criteria: Myriad Autosomal Dominant, Autosomal Recessive and X-Linked Classification Criteria (2023). Collection method: clinical testing. Allele origin: unknown.
Comment: NM_182760.3(SUMF1):c.1043C>T(A348V) is a missense variant classified as likely pathogenic in the context of multiple sulfatase deficiency. A348V has been observed in cases with relevant disease (PMID: Ghandi_2022_(Article), 32048457). Relevant functional assessments of this variant are available in the literature (PMID: 32048457). A348V has not been observed in referenced population frequency databases. In summary, NM_182760.3(SUMF1):c.1043C>T(A348V) is a missense variant that has functional support for pathogenicity and has been observed more frequently in cases with the relevant disease than in healthy populations. Please note: this variant was assessed in the context of healthy population screening.

Literature cited by the submitters: PubMed 32048457.